The following is an entry in ClinVar:

ClinVar aggregate classification (germline): Uncertain significance. Review status: criteria provided, multiple submitters, no conflicts (2 of 4 stars). 4 submissions from 4 submitters: Uncertain significance (4). Last evaluated 2025-09-30.

Conditions:
Inborn genetic diseases. Identifiers: MedGen C0950123, MeSH D030342.

Allele frequency attached by ClinVar (database versions not stated): gnomAD exomes 0.00001 and 0.00003; TOPMed below 0.00001; ExAC 0.00001.
gnomAD v4.1: 9 of 1,614,058 alleles (0.00056%); highest among the groups gnomAD compares: Admixed American, 0.015%; no homozygotes.

Submissions (4):

GeneDx
Classification: Uncertain significance. Last evaluated: 2025-09-30. Review status: criteria provided, single submitter. Criteria: GeneDx Variant Classification Process June 2021. Collection method: clinical testing. Allele origin: germline. Affected: yes.
Comment: In silico analysis suggests that this missense variant does not alter protein structure/function; Has not been previously published as pathogenic or benign to our knowledge

Ambry Genetics
Classification: Uncertain significance for Inborn genetic diseases. Last evaluated: 2025-02-13. Review status: criteria provided, single submitter. Criteria: Ambry Variant Classification Scheme 2023. Collection method: clinical testing. Allele origin: germline.

Labcorp Genetics (formerly Invitae), Labcorp
Classification: Uncertain significance. Last evaluated: 2021-08-27. Review status: criteria provided, single submitter. Criteria: Invitae Variant Classification Sherloc (09022015). Collection method: clinical testing. Allele origin: germline.

Revvity Omics, Revvity
Classification: Uncertain significance. Last evaluated: 2019-12-10. Review status: criteria provided, single submitter. Criteria: ACMG Guidelines, 2015. Collection method: clinical testing. Allele origin: germline.

NM_005529.7(HSPG2):c.6727C>A (p.Pro2243Thr)

Genes: HSPG2 (heparan sulfate proteoglycan 2; minus strand), LOC126805655 (CDK7 strongly-dependent group 2 enhancer GRCh37_chr1:22178409-22179608; plus strand). Cytogenetic location: 1p36.12.
Variant type: single nucleotide variant.
Coding change: c.6727C>A on transcript NM_005529.7 (MANE Select); coding-DNA position 6727, C replaced by A.
Protein change: p.Pro2243Thr; replaces proline 2243 with threonine.
Molecular consequence: missense variant.
Genome position (GRCh38, 1-based): chr1:21,852,231, G>T on the plus strand (C>A on the coding strand, the complement: HSPG2 is on the minus strand). VCF-style: chr1-21852231-G-T. GRCh37 (hg19) VCF-style: chr1-22178724-G-T.
Other names: c.6730C>A, p.Pro2244Thr (NM_001291860.2); c.6727C>A (NM_005529.5); short protein forms P2243T, P2244T.
Identifiers: ClinVar variation 1062850 (VCV001062850.10), dbSNP rs780554105, ClinGen allele CA671440.